The following is an entry in ClinVar:

NM_152296.5(ATP1A3):c.7-13C>T

Gene: ATP1A3 (ATPase Na+/K+ transporting subunit alpha 3; minus strand). Cytogenetic location: 19q13.2.
Variant type: single nucleotide variant.
Coding change: c.7-13C>T on transcript NM_152296.5 (MANE Select); 13 bases into the intron before coding-DNA position 7, C replaced by T.
Molecular consequence: intron variant. On other transcripts: synonymous variant (1).
Genome position (GRCh38, 1-based): chr19:41,988,575, G>A on the plus strand (C>T on the coding strand, the complement: ATP1A3 is on the minus strand). VCF-style: chr19-41988575-G-A. GRCh37 (hg19) VCF-style: chr19-42492727-G-A.
Other names: c.33C>T, p.Ile11= (NM_001256214.2); c.40-13C>T (NM_001256213.2).
Identifiers: ClinVar variation 2137077 (VCV002137077.4), dbSNP rs782779217, ClinGen allele CA9467993.
Genomic context (GRCh38, chr19:41,988,575, plus strand): 5'-CTCCTTGCCCTTGTTCTTCTTGGGTGAGTCCTTGTCATCTTTCTTGTCCTGCGAGGTGGC[G>A]ATACGATAGCTGTCAGAGCCACCAGACTGCGGGCGAGAAGGGGTTCCAGGAGGACACCGG-3'

ClinVar aggregate classification (germline): Uncertain significance (1 of 4 stars; one submission).

Conditions:
Dystonia 12 (DYT12). Also called: DYT-ATP1A3; Rapid-Onset Dystonia-Parkinsonism (RDP). Identifiers: Orphanet 71517, MedGen C1868681, MONDO:0007496, OMIM 128235.

Allele frequency attached by ClinVar (database versions not stated): gnomAD exomes below 0.00001; ExAC 0.00001; gnomAD 0.00001; TOPMed 0.00002.

Submission:

Labcorp Genetics (formerly Invitae), Labcorp
Classification: Uncertain significance for Dystonia 12. Last evaluated: 2022-07-25. Review status: criteria provided, single submitter. Criteria: Invitae Variant Classification Sherloc (09022015). Collection method: clinical testing. Allele origin: germline.
Comment: This variant has not been reported in the literature in individuals affected with ATP1A3-related conditions. This sequence change falls in intron 1 of the ATP1A3 gene. It does not directly change the encoded amino acid sequence of the ATP1A3 protein. This variant is present in population databases (rs782779217, gnomAD 0.007%). Algorithms developed to predict the effect of sequence changes on RNA splicing suggest that this variant may disrupt the consensus splice site. In summary, the available evidence is currently insufficient to determine the role of this variant in disease. Therefore, it has been classified as a Variant of Uncertain Significance.